The following is an entry in ClinVar:

NM_001291415.2(KDM6A):c.2815G>A (p.Val939Met)

Gene: KDM6A (lysine demethylase 6A; plus strand). Cytogenetic location: Xp11.3.
Variant type: single nucleotide variant.
Coding change: c.2815G>A on transcript NM_001291415.2 (MANE Select); coding-DNA position 2815, G replaced by A.
Protein change: p.Val939Met; replaces valine 939 with methionine.
Molecular consequence: missense variant. On other transcripts: non-coding transcript variant (1).
Genome position (GRCh38, 1-based): chrX:45,070,314, G>A. VCF-style: chrX-45070314-G-A. GRCh37 (hg19) VCF-style: chrX-44929559-G-A.
Other names: c.2680G>A, p.Val894Met (NM_001291416.2, NM_001419811.1); c.2524G>A, p.Val842Met (NM_001291417.2); c.2422G>A, p.Val808Met (NM_001291418.2, NM_001419815.1); c.1771G>A, p.Val591Met (NM_001291421.2); c.2557G>A, p.Val853Met (NM_001410742.1, NM_001419814.1); c.2815G>A, p.Val939Met (NM_001419809.1); c.2713G>A, p.Val905Met (NM_001419810.1, NM_001419813.1); c.2659G>A, p.Val887Met (NM_001419812.1, NM_021140.4); short protein forms V853M, V939M, V808M, V905M, V887M, V591M, V842M, V894M.
Identifiers: ClinVar variation 2913313 (VCV002913313.3), dbSNP rs2148057316, ClinGen allele CA412796135.

ClinVar aggregate classification (germline): Uncertain significance (1 of 4 stars; one submission).

Conditions:
Kabuki syndrome 2 (KABUK2). Also called: KDM6A-Related Kabuki Syndrome. Identifiers: Orphanet 2322, MedGen C3275495, MONDO:0010465, OMIM 300867.

Submission:

Labcorp Genetics (formerly Invitae), Labcorp
Classification: Uncertain significance for Kabuki syndrome 2. Last evaluated: 2024-01-07. Review status: criteria provided, single submitter. Criteria: Invitae Variant Classification Sherloc (09022015). Collection method: clinical testing. Allele origin: germline.
Comment: This sequence change replaces valine, which is neutral and non-polar, with methionine, which is neutral and non-polar, at codon 887 of the KDM6A protein (p.Val887Met). This variant is not present in population databases (gnomAD no frequency). This variant has not been reported in the literature in individuals affected with KDM6A-related conditions. Advanced modeling of protein sequence and biophysical properties (such as structural, functional, and spatial information, amino acid conservation, physicochemical variation, residue mobility, and thermodynamic stability) performed at Invitae indicates that this missense variant is not expected to disrupt KDM6A protein function with a negative predictive value of 80%. In summary, the available evidence is currently insufficient to determine the role of this variant in disease. Therefore, it has been classified as a Variant of Uncertain Significance.